The following is an entry in ClinVar:

NM_007118.4(TRIO):c.4309A>G (p.Lys1437Glu)

Gene: TRIO (trio Rho guanine nucleotide exchange factor; plus strand). Cytogenetic location: 5p15.2.
Variant type: single nucleotide variant.
Coding change: c.4309A>G on transcript NM_007118.4 (MANE Select); coding-DNA position 4309, A replaced by G.
Protein change: p.Lys1437Glu; replaces lysine 1437 with glutamic acid.
Molecular consequence: missense variant. On other transcripts: non-coding transcript variant (1).
Genome position (GRCh38, 1-based): chr5:14,394,128, A>G. VCF-style: chr5-14394128-A-G. GRCh37 (hg19) VCF-style: chr5-14394237-A-G.
Other names: short protein forms K1437E.
Identifiers: ClinVar variation 3254929 (VCV003254929.1), dbSNP rs2532920318.
Genomic context (GRCh38, chr5:14,394,128, plus strand): 5'-TCCATTTCTTCCTACCTTATTAAACCAGTTCAGCGAATAACGAAGTATCAGCTCCTTTTA[A>G]AAGTATGTATAATGCGTCTTCAGCCTGTGAAATTTTATGAATTATGTATTATTTTGACAT-3'
Protein context (NP_009049.2, residues 1427-1447): QRITKYQLLL[Lys1437Glu]ELLTCCEEGK

ClinVar aggregate classification (germline): Likely pathogenic (1 of 4 stars; one submission).

Conditions:
Intellectual developmental disorder, autosomal dominant 44, with microcephaly. Also called: Micrognathia-recurrent infections-behavioral abnormalities-mild intellectual disability syndrome; TRIO-Related Intellectual Disability. Identifiers: Orphanet 476126, MedGen C4310740, MONDO:0014892, OMIM 617061.

Submission:

Victorian Clinical Genetics Services, Murdoch Childrens Research Institute
Classification: Likely pathogenic for Intellectual developmental disorder, autosomal dominant 44, with microcephaly. Last evaluated: 2023-07-17. Review status: criteria provided, single submitter. Criteria: ACMG Guidelines, 2015. Collection method: clinical testing. Allele origin: germline. Inheritance: Autosomal dominant inheritance. Affected: yes.
Comment: Based on the classification scheme VCGS_Germline_v1.3.4, this variant is classified as Likely pathogenic. Following criteria are met: 0103 - Loss of function and gain of function are known mechanisms of disease in this gene and are associated with autosomal dominant intellectual developmental disorder with microcephaly (MIM#617061) and intellectual developmental disorder with macrocephaly (MIM#618825) (PMID: 32109419). (I) 0107 - This gene is associated with autosomal dominant disease. Null variants and missense variants located within the GEFD1 domain are associated with intellectual developmental disorder with microcephaly (MIM#617061), while missense variants within the 7th spectrin repeat are associated with intellectual developmental disorder with macrocephaly (MIM#618825; PMID: 32109419). (I) 0200 - Variant is predicted to result in a missense amino acid change from lysine to glutamic acid. (I) 0251 - This variant is heterozygous. (I) 0301 - Variant is absent from gnomAD (both v2 and v3). (SP) 0502 - Missense variant with conflicting in silico predictions and high conservation. (I) 0603 - Missense variant in a region that is highly intolerant to missense variation (high constraint region in DECIPHER) and located in the GEFD1 domain (PMID: 32109419). (SP) 0705 - No comparable missense variants have previous evidence for pathogenicity. (I) 0807 - This variant has no previous evidence of pathogenicity. (I) 0905 - No published segregation evidence has been identified for this variant. (I) 1007 - No published functional evidence has been identified for this variant. (SP) Legend: (SP) - Supporting pathogenic, (I) - Information, (SB) - Supporting benign

Literature cited by the submitters: PubMed 32109419.